The following is an entry in ClinVar:

ClinVar aggregate classification (germline): Pathogenic/Likely pathogenic. Review status: criteria provided, multiple submitters, no conflicts (2 of 4 stars). 5 submissions from 5 submitters: Pathogenic (1); Likely pathogenic (4). Last evaluated 2025-11-10.

Conditions:
Congenital myasthenic syndrome 13 (CMS13). Also called: Myasthenic syndrome, congenital, 13, with tubular aggregates; Myasthenic syndrome, congenital, with tubular aggregates 2. Identifiers: Orphanet 353327, Orphanet 590, MedGen C3553645, MONDO:0013883, OMIM 614750.
DPAGT1-congenital disorder of glycosylation. Also called: CONGENITAL DISORDER OF GLYCOSYLATION, TYPE Ij; CDG Ij; DPAGT1-CDG. Identifiers: Orphanet 86309, MedGen C2931004, MONDO:0011964, OMIM 608093.

Allele frequency attached by ClinVar (database versions not stated): gnomAD exomes 0.00001 and 0.00004; gnomAD 0.00003; TOPMed below 0.00001; ExAC 0.00002.
gnomAD v4.1: 18 of 1,614,088 alleles (0.0011%); highest among the groups gnomAD compares: South Asian, 0.02%; no homozygotes.

Submissions (5):

Labcorp Genetics (formerly Invitae), Labcorp
Classification: Pathogenic for Congenital myasthenic syndrome 13; DPAGT1-congenital disorder of glycosylation. Last evaluated: 2025-11-10. Review status: criteria provided, single submitter. Criteria: Invitae Variant Classification Sherloc (09022015). Collection method: clinical testing. Allele origin: germline.
Comment: This sequence change replaces threonine, which is neutral and polar, with isoleucine, which is neutral and non-polar, at codon 380 of the DPAGT1 protein (p.Thr380Ile). This variant is present in population databases (rs776720609, gnomAD 0.03%). This missense change has been observed in individual(s) with DPAGT1-related conditions (PMID: 37721175, 38443029; internal data). In at least one individual the data is consistent with being in trans (on the opposite chromosome) from a pathogenic variant. It has also been observed to segregate with disease in related individuals. ClinVar contains an entry for this variant (Variation ID: 1373663). Invitae Evidence Modeling of protein sequence and biophysical properties (such as structural, functional, and spatial information, amino acid conservation, physicochemical variation, residue mobility, and thermodynamic stability) indicates that this missense variant is expected to disrupt DPAGT1 protein function with a positive predictive value of 80%. For these reasons, this variant has been classified as Pathogenic.

GeneDx
Classification: Likely pathogenic. Last evaluated: 2025-06-20. Review status: criteria provided, single submitter. Criteria: GeneDx Variant Classification Process June 2021. Collection method: clinical testing. Allele origin: germline. Affected: yes.
Comment: In silico analysis supports that this missense variant has a deleterious effect on protein structure/function; This variant is associated with the following publications: (PMID: 37721175, 38443029)

Dasa
Classification: Likely pathogenic. Last evaluated: 2025-06-15. Review status: criteria provided, single submitter. Criteria: DASA Assertion Criteria. Collection method: clinical testing. Allele origin: germline.
Comment: NM_001382.4(DPAGT1):c.1139C>T (p.Thr380Ile) is a missense variant that results in the substitution of threonine with isoleucine. This variant has been reported in individuals with DPAGT1-related disorders (PMID: 37721175). Also, this variant is rare in population databases. Computational evidence supports a deleterious effect. Based on the currently available evidence, this variant is classified as likely pathogenic.

Institute of Medical Genetics and Genomics, Sir Ganga Ram Hospital
Classification: Likely pathogenic for Congenital myasthenic syndrome 13. Last evaluated: 2023-06-24. Review status: criteria provided, single submitter. Criteria: ACMG Guidelines, 2015. Collection method: clinical testing. Allele origin: inherited. Inheritance: Autosomal recessive inheritance. Affected: yes. Observed: 1 compound heterozygote.
Comment: This variant is observed in 0.0035% gnomAD (aggregated) database (PM2_moderate). DPAGT1 has low rate of benign missense variants with 22 reported pathogenic missense variants (PP2_supporting). This variant has been previously reported in Clinvar: VCV001373663.26 Isoelectric focusing confirms the abnormal pattern of transferrin isoform with reduced tetrasialotransferrin and increased diasialotransferrin (PP5_supporting).

Research Laboratories, P. D. Hinduja Hospital & MRC
Classification: Likely pathogenic for DPAGT1-congenital disorder of glycosylation. Review status: criteria provided, single submitter. Criteria: ACMG Guidelines, 2015. Collection method: clinical testing. Allele origin: inherited. Inheritance: Autosomal recessive inheritance. Affected: yes. Observed: 1 variant allele, 1 compound heterozygote.

Literature cited by the submitters: PubMed 37721175 (cited by Labcorp Genetics (formerly Invitae), Labcorp and Dasa); PubMed 38443029 (cited by Labcorp Genetics (formerly Invitae), Labcorp).

NM_001382.4(DPAGT1):c.1139C>T (p.Thr380Ile)

Gene: DPAGT1 (dolichyl-phosphate N-acetylglucosaminephosphotransferase 1; minus strand). Cytogenetic location: 11q23.3.
Variant type: single nucleotide variant.
Coding change: c.1139C>T on transcript NM_001382.4 (MANE Select); coding-DNA position 1139, C replaced by T.
Protein change: p.Thr380Ile; replaces threonine 380 with isoleucine.
Molecular consequence: missense variant.
Genome position (GRCh38, 1-based): chr11:119,097,164, G>A on the plus strand (C>T on the coding strand, the complement: DPAGT1 is on the minus strand). VCF-style: chr11-119097164-G-A. GRCh37 (hg19) VCF-style: chr11-118967874-G-A.
Other names: short protein forms T380I.
Identifiers: ClinVar variation 1373663 (VCV001373663.34), dbSNP rs776720609, ClinGen allele CA6314454.